The following is an entry in ClinVar:

NM_000497.4(CYP11B1):c.259G>C (p.Gly87Arg)

Gene: CYP11B1 (cytochrome P450 family 11 subfamily B member 1; minus strand). Cytogenetic location: 8q24.3.
Variant type: single nucleotide variant.
Coding change: c.259G>C on transcript NM_000497.4 (MANE Select); coding-DNA position 259, G replaced by C.
Protein change: p.Gly87Arg; replaces glycine 87 with arginine.
Molecular consequence: missense variant.
Genome position (GRCh38, 1-based): chr8:142,879,168, C>G on the plus strand (G>C on the coding strand, the complement: CYP11B1 is on the minus strand). VCF-style: chr8-142879168-C-G. GRCh37 (hg19) VCF-style: chr8-143960584-C-G.
Other names: c.259G>C, p.Gly87Arg (NM_001026213.1); short protein forms G87R.
Identifiers: ClinVar variation 3595345 (VCV003595345.2).

ClinVar aggregate classification (germline): Uncertain significance. Review status: criteria provided, multiple submitters, no conflicts (2 of 4 stars). 2 submissions from 2 submitters: Uncertain significance (2). Last evaluated 2025-01-20.

Conditions:
Glucocorticoid-remediable aldosteronism. Also called: ACTH-DEPENDENT HYPERALDOSTERONISM SYNDROME; ALDOSTERONISM, SENSITIVE TO DEXAMETHASONE; FH I; GLUCOCORTICOID-SUPPRESSIBLE HYPERALDOSTERONISM; Hyperaldosteronism, familial, type I. Identifiers: Orphanet 403, MedGen C3838731, MONDO:0007080, OMIM 103900.
Deficiency of steroid 11-beta-monooxygenase (CYP11B1). Also called: ADRENAL HYPERPLASIA, CONGENITAL, DUE TO STEROID 11-BETA-HYDROXYLASE DEFICIENCY; 11-BETA-HYDROXYLASE DEFICIENCY; P450C11B1 DEFICIENCY; STEROID 11-BETA-HYDROXYLASE DEFICIENCY; Congenital adrenal hyperplasia due to 11-beta-hydroxylase deficiency; ADRENAL HYPERPLASIA IV. Identifiers: Orphanet 90795, MedGen C0268292, MONDO:0008729, OMIM 202010. Disease mechanism: loss of function.

gnomAD v4.1: 43 of 1,613,816 alleles (0.0027%); highest among the groups gnomAD compares: Middle Eastern, 0.033%; no homozygotes.

Submissions (2):

Labcorp Genetics (formerly Invitae), Labcorp
Classification: Uncertain significance. Last evaluated: 2025-01-20. Review status: criteria provided, single submitter. Criteria: Invitae Variant Classification Sherloc (09022015). Collection method: clinical testing. Allele origin: germline.
Comment: This sequence change replaces glycine, which is neutral and non-polar, with arginine, which is basic and polar, at codon 87 of the CYP11B1 protein (p.Gly87Arg). This variant is present in population databases (rs769450046, gnomAD 0.03%). This variant has not been reported in the literature in individuals affected with CYP11B1-related conditions. Invitae Evidence Modeling of protein sequence and biophysical properties (such as structural, functional, and spatial information, amino acid conservation, physicochemical variation, residue mobility, and thermodynamic stability) indicates that this missense variant is not expected to disrupt CYP11B1 protein function with a negative predictive value of 95%. In summary, the available evidence is currently insufficient to determine the role of this variant in disease. Therefore, it has been classified as a Variant of Uncertain Significance.

Fulgent Genetics
Classification: Uncertain significance for Glucocorticoid-remediable aldosteronism; Deficiency of steroid 11-beta-monooxygenase. Last evaluated: 2024-05-17. Review status: criteria provided, single submitter. Criteria: ACMG Guidelines, 2015. Collection method: clinical testing. Allele origin: germline.